The following is an entry in ClinVar:

ClinVar aggregate classification (germline): Uncertain significance (1 of 4 stars; one submission).

gnomAD v4.1: 8 of 1,614,010 alleles (0.0005%); highest among the groups gnomAD compares: South Asian, 0.0022%; no homozygotes.

Submission:

GeneDx
Classification: Uncertain significance. Last evaluated: 2023-06-07. Review status: criteria provided, single submitter. Criteria: GeneDx Variant Classification Process June 2021. Collection method: clinical testing. Allele origin: germline. Affected: yes.
Comment: In silico analysis supports that this missense variant has a deleterious effect on protein structure/function; Has not been previously published as pathogenic or benign to our knowledge

NM_003097.6(SNRPN):c.647C>T (p.Pro216Leu)

Genes: SNHG14 (small nucleolar RNA host gene 14; plus strand), SNRPN (small nuclear ribonucleoprotein polypeptide N; plus strand), SNURF (SNRPN upstream open reading frame; plus strand). Cytogenetic location: 15q11.2.
Variant type: single nucleotide variant.
Coding change: c.647C>T on transcript NM_003097.6 (MANE Select); coding-DNA position 647, C replaced by T.
Protein change: p.Pro216Leu; replaces proline 216 with leucine.
Molecular consequence: missense variant. On other transcripts: 3 prime UTR variant (1), non-coding transcript variant (1).
Genome position (GRCh38, 1-based): chr15:24,978,280, C>T. VCF-style: chr15-24978280-C-T. GRCh37 (hg19) VCF-style: chr15-25223427-C-T.
Other names: c.647C>T, p.Pro216Leu (NM_001400638.1, NM_001400639.1, NM_001400640.1 and 99 more transcripts); c.623C>T, p.Pro208Leu (NM_001400767.1, NM_001378256.1, NM_001378257.1); c.383C>T, p.Pro128Leu (NM_001400768.1); c.*835C>T (NM_005678.5); c.659C>T, p.Pro220Leu (NM_001378251.1, NM_001378252.1, NM_001378253.1 and 2 more transcripts); short protein forms P128L, P208L, P216L, P220L.
Identifiers: ClinVar variation 3342817 (VCV003342817.1).